The following is an entry in ClinVar:

NM_001429.4(EP300):c.2668A>C (p.Thr890Pro)

Gene: EP300 (EP300 lysine acetyltransferase; plus strand). Cytogenetic location: 22q13.2.
Variant type: single nucleotide variant.
Coding change: c.2668A>C on transcript NM_001429.4 (MANE Select); coding-DNA position 2668, A replaced by C.
Protein change: p.Thr890Pro; replaces threonine 890 with proline.
Molecular consequence: missense variant.
Genome position (GRCh38, 1-based): chr22:41,150,049, A>C. VCF-style: chr22-41150049-A-C. GRCh37 (hg19) VCF-style: chr22-41546053-A-C.
Other names: c.2590A>C, p.Thr864Pro (NM_001362843.2); short protein forms T864P, T890P.
Identifiers: ClinVar variation 1219136 (VCV001219136.14), dbSNP rs577396026, ClinGen allele CA10252918.

ClinVar aggregate classification (germline): Likely benign. Review status: criteria provided, multiple submitters, no conflicts (2 of 4 stars). 3 submissions from 3 submitters: Likely benign (2). 1 of the submissions does not count toward it. Last evaluated 2025-12-22.

Conditions:
Rubinstein-Taybi syndrome due to EP300 haploinsufficiency. Also called: RUBINSTEIN-TAYBI SYNDROME 2; EP300-Related Rubinstein-Taybi Syndrome. Identifiers: Orphanet 353284, Orphanet 783, MedGen C3150941, MONDO:0013364, OMIM 613684.
EP300-related disorder. Also called: EP300-related disorders; EP300-related condition.

Allele frequency attached by ClinVar (database versions not stated): ExAC 0.00009; gnomAD 0.00010 and 0.00011; TOPMed 0.00011; 1000 Genomes Project 30x 0.00031; 1000 Genomes Project 0.00040.
gnomAD v4.1: 60 of 1,613,792 alleles (0.0037%); highest among the groups gnomAD compares: Admixed American, 0.04%; no homozygotes.

Submissions (3):

Labcorp Genetics (formerly Invitae), Labcorp
Classification: Likely benign for Rubinstein-Taybi syndrome due to EP300 haploinsufficiency. Last evaluated: 2025-12-22. Review status: criteria provided, single submitter. Criteria: Invitae Variant Classification Sherloc (09022015). Collection method: clinical testing. Allele origin: germline.

GeneDx
Classification: Likely benign. Last evaluated: 2019-07-30. Review status: criteria provided, single submitter. Criteria: GeneDx Variant Classification Process June 2021. Collection method: clinical testing. Allele origin: germline. Affected: yes.

PreventionGenetics, part of Exact Sciences
Classification: Likely benign for EP300-related condition. Last evaluated: 2022-09-08. Review status: no assertion criteria provided. Collection method: clinical testing. Allele origin: germline. Not counted in ClinVar's aggregate classification.
Comment: This variant is classified as likely benign based on ACMG/AMP sequence variant interpretation guidelines (Richards et al. 2015 PMID: 25741868, with internal and published modifications).